The following is an entry in ClinVar:

ClinVar aggregate classification (germline): Uncertain significance (1 of 4 stars; one submission).

Allele frequency attached by ClinVar (database versions not stated): gnomAD exomes below 0.00001; ExAC 0.00001.
gnomAD v4.1: 3 of 1,613,918 alleles (0.00019%); highest among the groups gnomAD compares: East Asian, 0.0067%; no homozygotes.

Submission:

Labcorp Genetics (formerly Invitae), Labcorp
Classification: Uncertain significance. Last evaluated: 2024-10-08. Review status: criteria provided, single submitter. Criteria: Invitae Variant Classification Sherloc (09022015). Collection method: clinical testing. Allele origin: germline.
Comment: This sequence change replaces isoleucine, which is neutral and non-polar, with valine, which is neutral and non-polar, at codon 242 of the CA4 protein (p.Ile242Val). This variant is present in population databases (rs747857532, gnomAD 0.02%). This variant has not been reported in the literature in individuals affected with CA4-related conditions. ClinVar contains an entry for this variant (Variation ID: 2110633). Invitae Evidence Modeling of protein sequence and biophysical properties (such as structural, functional, and spatial information, amino acid conservation, physicochemical variation, residue mobility, and thermodynamic stability) indicates that this missense variant is not expected to disrupt CA4 protein function with a negative predictive value of 80%. In summary, the available evidence is currently insufficient to determine the role of this variant in disease. Therefore, it has been classified as a Variant of Uncertain Significance.

NM_000717.5(CA4):c.724A>G (p.Ile242Val)

Gene: CA4 (carbonic anhydrase 4; plus strand). Cytogenetic location: 17q23.1.
Variant type: single nucleotide variant.
Coding change: c.724A>G on transcript NM_000717.5 (MANE Select); coding-DNA position 724, A replaced by G.
Protein change: p.Ile242Val; replaces isoleucine 242 with valine.
Molecular consequence: missense variant. On other transcripts: non-coding transcript variant (1).
Genome position (GRCh38, 1-based): chr17:60,158,426, A>G. VCF-style: chr17-60158426-A-G. GRCh37 (hg19) VCF-style: chr17-58235787-A-G.
Other names: short protein forms I242V.
Identifiers: ClinVar variation 2110633 (VCV002110633.4), dbSNP rs747857532, ClinGen allele CA8685491.